The following is an entry in ClinVar:

NM_130398.4(EXO1):c.1364T>C (p.Phe455Ser)

Gene: EXO1 (exonuclease 1; plus strand). Cytogenetic location: 1q43.
Variant type: single nucleotide variant.
Coding change: c.1364T>C on transcript NM_130398.4 (MANE Select); coding-DNA position 1364, T replaced by C.
Protein change: p.Phe455Ser; replaces phenylalanine 455 with serine.
Molecular consequence: missense variant.
Genome position (GRCh38, 1-based): chr1:241,872,128, T>C. VCF-style: chr1-241872128-T-C. GRCh37 (hg19) VCF-style: chr1-242035430-T-C.
Other names: c.1364T>C, p.Phe455Ser (NM_006027.4, NM_003686.4); c.1361T>C, p.Phe454Ser (NM_001319224.2); short protein forms F454S, F455S.
Identifiers: ClinVar variation 3057863 (VCV003057863.3), dbSNP rs149663738, ClinGen allele CA1481331.

ClinVar aggregate classification (germline): Likely benign. Review status: criteria provided, single submitter (1 of 4 stars). 2 submissions from 2 submitters: Likely benign (1). 1 of the submissions does not count toward it. Last evaluated 2024-09-23.

Conditions:
EXO1-related disorder. Also called: EXO1-related condition.

Allele frequency attached by ClinVar (database versions not stated): gnomAD exomes 0.00018; ExAC 0.00059; 1000 Genomes Project 0.00140; 1000 Genomes Project 30x 0.00141; gnomAD 0.00210; TOPMed 0.00237; ESP Exome Variant Server 0.00300.
gnomAD v4.1: 593 of 1,614,052 alleles (0.037%); highest among the groups gnomAD compares: African/African-American, 0.73%; no homozygotes.

Submissions (2):

Blueprint Genetics
Classification: Likely benign. Last evaluated: 2024-09-23. Review status: criteria provided, single submitter. Criteria: ACMG Guidelines, 2015. Collection method: clinical testing. Allele origin: germline.

PreventionGenetics, part of Exact Sciences
Classification: Likely benign for EXO1-related condition. Last evaluated: 2022-06-12. Review status: no assertion criteria provided. Collection method: clinical testing. Allele origin: germline. Not counted in ClinVar's aggregate classification.
Comment: This variant is classified as likely benign based on ACMG/AMP sequence variant interpretation guidelines (Richards et al. 2015 PMID: 25741868, with internal and published modifications).